The following is an entry in ClinVar:

ClinVar aggregate classification (germline): Uncertain significance (1 of 4 stars; one submission).

gnomAD v4.1: 1 of 1,613,586 alleles (0.000062%); highest among the groups gnomAD compares: South Asian, 0.0011%; no homozygotes.

Submission:

Labcorp Genetics (formerly Invitae), Labcorp
Classification: Uncertain significance. Last evaluated: 2025-07-06. Review status: criteria provided, single submitter. Criteria: Invitae Variant Classification Sherloc (09022015). Collection method: clinical testing. Allele origin: germline.
Comment: This sequence change replaces histidine, which is basic and polar, with glutamine, which is neutral and polar, at codon 751 of the SCN3A protein (p.His751Gln). This variant is not present in population databases (gnomAD no frequency). This variant has not been reported in the literature in individuals affected with SCN3A-related conditions. Invitae Evidence Modeling of protein sequence and biophysical properties (such as structural, functional, and spatial information, amino acid conservation, physicochemical variation, residue mobility, and thermodynamic stability) indicates that this missense variant is not expected to disrupt SCN3A protein function with a negative predictive value of 95%. In summary, the available evidence is currently insufficient to determine the role of this variant in disease. Therefore, it has been classified as a Variant of Uncertain Significance.

NM_006922.4(SCN3A):c.2253T>A (p.His751Gln)

Gene: SCN3A (sodium voltage-gated channel alpha subunit 3; minus strand). Cytogenetic location: 2q24.3.
Variant type: single nucleotide variant.
Coding change: c.2253T>A on transcript NM_006922.4 (MANE Select); coding-DNA position 2253, T replaced by A.
Protein change: p.His751Gln; replaces histidine 751 with glutamine.
Molecular consequence: missense variant.
Genome position (GRCh38, 1-based): chr2:165,138,017, A>T on the plus strand (T>A on the coding strand, the complement: SCN3A is on the minus strand). VCF-style: chr2-165138017-A-T. GRCh37 (hg19) VCF-style: chr2-165994527-A-T.
Other names: c.2106T>A, p.His702Gln (NM_001081676.2, NM_001081677.2); short protein forms H702Q, H751Q.
Identifiers: ClinVar variation 4755298 (VCV004755298.1).